The following is an entry in ClinVar:

ClinVar aggregate classification (germline): Uncertain significance (1 of 4 stars; one submission).

Allele frequency attached by ClinVar (database versions not stated): TOPMed below 0.00001.
gnomAD v4.1: 1 of 1,613,952 alleles (0.000062%); no homozygotes.

Submission:

Labcorp Genetics (formerly Invitae), Labcorp
Classification: Uncertain significance. Last evaluated: 2022-06-19. Review status: criteria provided, single submitter. Criteria: Invitae Variant Classification Sherloc (09022015). Collection method: clinical testing. Allele origin: germline.
Comment: Algorithms developed to predict the effect of missense changes on protein structure and function output the following: SIFT: "Tolerated"; PolyPhen-2: "Benign"; Align-GVGD: "Class C0". The glutamic acid amino acid residue is found in multiple mammalian species, which suggests that this missense change does not adversely affect protein function. In summary, the available evidence is currently insufficient to determine the role of this variant in disease. Therefore, it has been classified as a Variant of Uncertain Significance. This variant has not been reported in the literature in individuals affected with FAT2-related conditions. This sequence change replaces lysine, which is basic and polar, with glutamic acid, which is acidic and polar, at codon 845 of the FAT2 protein (p.Lys845Glu). This variant is not present in population databases (gnomAD no frequency).

NM_001447.3(FAT2):c.2533A>G (p.Lys845Glu)

Gene: FAT2 (FAT atypical cadherin 2; minus strand). Cytogenetic location: 5q33.1.
Variant type: single nucleotide variant.
Coding change: c.2533A>G on transcript NM_001447.3 (MANE Select); coding-DNA position 2533, A replaced by G.
Protein change: p.Lys845Glu; replaces lysine 845 with glutamic acid.
Molecular consequence: missense variant.
Genome position (GRCh38, 1-based): chr5:151,566,399, T>C on the plus strand (A>G on the coding strand, the complement: FAT2 is on the minus strand). VCF-style: chr5-151566399-T-C. GRCh37 (hg19) VCF-style: chr5-150945960-T-C.
Other names: short protein forms K845E.
Identifiers: ClinVar variation 2100240 (VCV002100240.4), dbSNP rs1409312943, ClinGen allele CA361852152.